The following is an entry in ClinVar:

NM_000051.4(ATM):c.186-1G>T

Gene: ATM (ATM serine/threonine kinase; plus strand). Cytogenetic location: 11q22.3.
Variant type: single nucleotide variant.
Coding change: c.186-1G>T on transcript NM_000051.4 (MANE Select); the canonical splice acceptor site of the intron before coding-DNA position 186, G replaced by T.
Molecular consequence: splice acceptor variant.
Genome position (GRCh38, 1-based): chr11:108,229,177, G>T. VCF-style: chr11-108229177-G-T. GRCh37 (hg19) VCF-style: chr11-108099904-G-T.
Other names: c.186-1G>T (NM_001351834.2, NM_001351835.2, NM_001351836.2).
Identifiers: ClinVar variation 2453954 (VCV002453954.3), dbSNP rs1259911051, ClinGen allele CA382520993.

ClinVar aggregate classification (germline): Likely pathogenic. Review status: criteria provided, multiple submitters, no conflicts (2 of 4 stars). 2 submissions from 2 submitters: Likely pathogenic (2). Last evaluated 2025-03-20.

Conditions:
Hereditary cancer-predisposing syndrome. Also called: Hereditary neoplastic syndrome; Tumor predisposition; Neoplastic Syndromes, Hereditary; Hereditary Cancer Syndrome. Identifiers: Orphanet 140162, MedGen C0027672, MeSH D009386, MONDO:0015356.
Ataxia-telangiectasia syndrome (AT). Also called: Ataxia-telangiectasia, complementation group D; AT, COMPLEMENTATION GROUP C; Cerebello-oculocutaneous telangiectasia; Immunodeficiency with ataxia telangiectasia; Ataxia-telangiectasia, complementation group E; Ataxia telangiectasia (A-T). Identifiers: Orphanet 100, MedGen C0004135, MONDO:0008840, OMIM 208900.

Submissions (2):

Labcorp Genetics (formerly Invitae), Labcorp
Classification: Likely pathogenic for Ataxia-telangiectasia syndrome. Last evaluated: 2025-03-20. Review status: criteria provided, single submitter. Criteria: Invitae Variant Classification Sherloc (09022015). Collection method: clinical testing. Allele origin: germline.
Comment: This sequence change affects an acceptor splice site in intron 3 of the ATM gene. It is expected to disrupt RNA splicing. Variants that disrupt the donor or acceptor splice site typically lead to a loss of protein function (PMID: 16199547), and loss-of-function variants in ATM are known to be pathogenic (PMID: 23807571, 25614872). This variant is not present in population databases (gnomAD no frequency). Disruption of this splice site has been observed in individual(s) with ataxia (PMID: 36964972). ClinVar contains an entry for this variant (Variation ID: 2453954). Algorithms developed to predict the effect of sequence changes on RNA splicing suggest that this variant may disrupt the consensus splice site. In summary, the currently available evidence indicates that the variant is pathogenic, but additional data are needed to prove that conclusively. Therefore, this variant has been classified as Likely Pathogenic.

Ambry Genetics
Classification: Likely pathogenic for Hereditary cancer-predisposing syndrome. Last evaluated: 2022-12-30. Review status: criteria provided, single submitter. Criteria: Ambry Variant Classification Scheme 2023. Collection method: clinical testing. Allele origin: germline.
Comment: The c.186-1G>T intronic variant results from a G to T substitution one nucleotide upstream from coding exon 3 of the ATM gene. This variant is considered to be rare based on population cohorts in the Genome Aggregation Database (gnomAD). This nucleotide position is highly conserved in available vertebrate species. In silico splice site analysis predicts that this alteration will weaken the native splice acceptor site and will result in the creation or strengthening of a novel splice acceptor site. Alterations that disrupt the canonical splice site are expected to cause aberrant splicing, resulting in an abnormal protein or a transcript that is subject to nonsense-mediated mRNA decay. As such, this alteration is classified as likely pathogenic.

Literature cited by the submitters: PubMed 16199547 (cited by Labcorp Genetics (formerly Invitae), Labcorp); PubMed 23807571 (cited by Labcorp Genetics (formerly Invitae), Labcorp); PubMed 25614872 (cited by Labcorp Genetics (formerly Invitae), Labcorp); PubMed 36964972 (cited by Labcorp Genetics (formerly Invitae), Labcorp).